The following is an entry in ClinVar:

ClinVar aggregate classification (germline): Uncertain significance. Review status: criteria provided, multiple submitters, no conflicts (2 of 4 stars). 2 submissions from 2 submitters: Uncertain significance (2). Last evaluated 2025-09-25.

Conditions:
Inborn genetic diseases. Identifiers: MedGen C0950123, MeSH D030342.

gnomAD v4.1: 7 of 1,613,892 alleles (0.00043%); highest among the groups gnomAD compares: East Asian, 0.0022%; no homozygotes.

Submissions (2):

Ambry Genetics
Classification: Uncertain significance for Inborn genetic diseases. Last evaluated: 2025-09-25. Review status: criteria provided, single submitter. Criteria: Ambry Variant Classification Scheme 2023. Collection method: clinical testing. Allele origin: germline.

CeGaT Center for Human Genetics Tuebingen
Classification: Uncertain significance. Last evaluated: 2024-10-01. Review status: criteria provided, single submitter. Criteria: CeGaT Center For Human Genetics Tuebingen Variant Classification Criteria Version 2. Collection method: clinical testing. Allele origin: germline. Affected: yes. Observed: 1 variant allele.
Comment: ITPR1: PM2

NM_001378452.1(ITPR1):c.1603A>G (p.Met535Val)

Gene: ITPR1 (inositol 1,4,5-trisphosphate receptor type 1; plus strand). Cytogenetic location: 3p26.1.
Variant type: single nucleotide variant.
Coding change: c.1603A>G on transcript NM_001378452.1 (MANE Select); coding-DNA position 1603, A replaced by G.
Protein change: p.Met535Val; replaces methionine 535 with valine.
Molecular consequence: missense variant.
Genome position (GRCh38, 1-based): chr3:4,665,186, A>G. VCF-style: chr3-4665186-A-G. GRCh37 (hg19) VCF-style: chr3-4706870-A-G.
Other names: c.1558A>G (NM_002222.5); c.1603A>G, p.Met535Val (NM_001099952.4); c.1558A>G, p.Met520Val (NM_001168272.2, NM_002222.7); short protein forms M520V, M535V.
Identifiers: ClinVar variation 3389952 (VCV003389952.14).
Genomic context (GRCh38, chr3:4,665,186, plus strand): 5'-TTTCACAAACAGATCTTCAAGTTGTTACAAGCCCCATTCACAGACTGCGGTGATGGCCCA[A>G]TGCTTCGGCTGGAAGAGCTCGGGGACCAGCGGCACGCTCCTTTCAGACACATCTGCCGGC-3'
Protein context (NP_001365381.1, residues 525-545): APFTDCGDGP[Met535Val]LRLEELGDQR